The following is an entry in ClinVar:

ClinVar aggregate classification (germline): Uncertain significance (1 of 4 stars; one submission).

Conditions:
Hereditary cancer-predisposing syndrome. Also called: Hereditary Cancer Syndrome; Hereditary neoplastic syndrome; Neoplastic Syndromes, Hereditary; Tumor predisposition. Identifiers: Orphanet 140162, MedGen C0027672, MeSH D009386, MONDO:0015356.

Allele frequency attached by ClinVar (database versions not stated): gnomAD exomes below 0.00001.

Submission:

Ambry Genetics
Classification: Uncertain significance for Hereditary cancer-predisposing syndrome. Last evaluated: 2024-05-24. Review status: criteria provided, single submitter. Criteria: Ambry Variant Classification Scheme 2023. Collection method: clinical testing. Allele origin: germline.
Comment: The p.R310G variant (also known as c.928A>G), located in coding exon 9 of the EPCAM gene, results from an A to G substitution at nucleotide position 928. The arginine at codon 310 is replaced by glycine, an amino acid with dissimilar properties. This amino acid position is conserved. In addition, the in silico prediction for this alteration is inconclusive. Since supporting evidence is limited at this time, the clinical significance of this alteration remains unclear.

NM_002354.3(EPCAM):c.928A>G (p.Arg310Gly)

Gene: EPCAM (epithelial cell adhesion molecule; plus strand). Cytogenetic location: 2p21.
Variant type: single nucleotide variant.
Coding change: c.928A>G on transcript NM_002354.3 (MANE Select); coding-DNA position 928, A replaced by G.
Protein change: p.Arg310Gly; replaces arginine 310 with glycine.
Molecular consequence: missense variant.
Genome position (GRCh38, 1-based): chr2:47,386,596, A>G. VCF-style: chr2-47386596-A-G. GRCh37 (hg19) VCF-style: chr2-47613735-A-G.
Other names: short protein forms R310G.
Identifiers: ClinVar variation 1766436 (VCV001766436.3), dbSNP rs1171926285, ClinGen allele CA346725972.